The following is an entry in ClinVar:

ClinVar aggregate classification (germline): Uncertain significance. Review status: criteria provided, multiple submitters, no conflicts (2 of 4 stars). 2 submissions from 2 submitters: Uncertain significance (2). Last evaluated 2023-08-07.

Conditions:
Familial meningioma. Also called: Meningioma, familial, susceptibility to. Identifiers: Orphanet 263662, MedGen C3551915, MONDO:0011789, OMIM 607174.
Hereditary cancer-predisposing syndrome. Also called: Tumor predisposition; Neoplastic Syndromes, Hereditary; Hereditary neoplastic syndrome; Hereditary Cancer Syndrome. Identifiers: Orphanet 140162, MedGen C0027672, MeSH D009386, MONDO:0015356.

Submissions (2):

Ambry Genetics
Classification: Uncertain significance for Hereditary cancer-predisposing syndrome. Last evaluated: 2023-08-07. Review status: criteria provided, single submitter. Criteria: Ambry Variant Classification Scheme 2023. Collection method: clinical testing. Allele origin: germline.
Comment: The p.E294K variant (also known as c.880G>A), located in coding exon 9 of the SMARCE1 gene, results from a G to A substitution at nucleotide position 880. The glutamic acid at codon 294 is replaced by lysine, an amino acid with similar properties. This amino acid position is highly conserved in available vertebrate species. In addition, the in silico prediction for this alteration is inconclusive. Missense and in-frame variants in SMARCE1 are known to cause neurodevelopmental disorders; however, such associations with increased risk of meningiomas are exceedingly rare (Kosho T et al. Am J Med Genet C Semin Med Genet. 2014 Sep;166C(3):262-75; Smith JM et al. Nat Genet. 2013 Mar;45(3):295-8). Since supporting evidence is limited at this time, the clinical significance of this alteration remains unclear.

Labcorp Genetics (formerly Invitae), Labcorp
Classification: Uncertain significance for Familial meningioma. Last evaluated: 2021-04-28. Review status: criteria provided, single submitter. Criteria: Invitae Variant Classification Sherloc (09022015). Collection method: clinical testing. Allele origin: germline.
Comment: In summary, the available evidence is currently insufficient to determine the role of this variant in disease. Therefore, it has been classified as a Variant of Uncertain Significance. Algorithms developed to predict the effect of missense changes on protein structure and function are either unavailable or do not agree on the potential impact of this missense change (SIFT: "Tolerated"; PolyPhen-2: "Possibly Damaging"; Align-GVGD: "Class C0"). This variant has not been reported in the literature in individuals with SMARCE1-related conditions. This variant is not present in population databases (ExAC no frequency). This sequence change replaces glutamic acid with lysine at codon 294 of the SMARCE1 protein (p.Glu294Lys). The glutamic acid residue is highly conserved and there is a small physicochemical difference between glutamic acid and lysine.

NM_003079.5(SMARCE1):c.880G>A (p.Glu294Lys)

Gene: SMARCE1 (SWI/SNF related BAF chromatin remodeling complex subunit E1; minus strand). Cytogenetic location: 17q21.2.
Variant type: single nucleotide variant.
Coding change: c.880G>A on transcript NM_003079.5 (MANE Select); coding-DNA position 880, G replaced by A.
Protein change: p.Glu294Lys; replaces glutamic acid 294 with lysine.
Molecular consequence: missense variant.
Genome position (GRCh38, 1-based): chr17:40,630,861, C>T on the plus strand (G>A on the coding strand, the complement: SMARCE1 is on the minus strand). VCF-style: chr17-40630861-C-T. GRCh37 (hg19) VCF-style: chr17-38787113-C-T.
Other names: c.880G>A (NM_003079.4); short protein forms E294K.
Identifiers: ClinVar variation 1517417 (VCV001517417.9), dbSNP rs2143985056, ClinGen allele CA399363803.